The following is an entry in ClinVar:

ClinVar aggregate classification (germline): Uncertain significance (1 of 4 stars; one submission).

Conditions:
Cyclical neutropenia. Also called: Cyclic hematopoiesis; Cyclic Neutropenia. Identifiers: Orphanet 2686, MedGen C0221023, MONDO:0008090, OMIM 162800, HP:0040289. Disease mechanism: loss of function.

Submission:

3billion
Classification: Uncertain significance for Cyclical neutropenia. Last evaluated: 2024-09-09. Review status: criteria provided, single submitter. Criteria: ACMG Guidelines, 2015. Collection method: clinical testing. Allele origin: germline. Affected: yes.
Comment: The variant is not observed in the gnomAD v4.0.0 dataset. Predicted Consequence/Location: Missense variant In silico tool predictions suggest damaging effect of the variant on gene or gene product [3Cnet: 0.93 (>=0.6, sensitivity 0.72 and precision 0.9)]. Therefore, this variant is classified as VUS according to the recommendation of ACMG/AMP guideline.

NM_001972.4(ELANE):c.475C>A (p.Leu159Met)

Gene: ELANE (elastase, neutrophil expressed; plus strand). Cytogenetic location: 19p13.3.
Variant type: single nucleotide variant.
Coding change: c.475C>A on transcript NM_001972.4 (MANE Select); coding-DNA position 475, C replaced by A.
Protein change: p.Leu159Met; replaces leucine 159 with methionine.
Molecular consequence: missense variant.
Genome position (GRCh38, 1-based): chr19:855,672, C>A. VCF-style: chr19-855672-C-A. GRCh37 (hg19) VCF-style: chr19-855672-C-A.
Other names: short protein forms L159M.
Identifiers: ClinVar variation 4293472 (VCV004293472.1).